The following is an entry in ClinVar:

ClinVar aggregate classification (germline): Uncertain significance (1 of 4 stars; one submission).

gnomAD v4.1: 33 of 1,610,574 alleles (0.002%); highest among the groups gnomAD compares: Non-Finnish European, 0.0024%; no homozygotes.

Submission:

Labcorp Genetics (formerly Invitae), Labcorp
Classification: Uncertain significance. Last evaluated: 2025-01-28. Review status: criteria provided, single submitter. Criteria: Invitae Variant Classification Sherloc (09022015). Collection method: clinical testing. Allele origin: germline.
Comment: This sequence change replaces threonine, which is neutral and polar, with methionine, which is neutral and non-polar, at codon 662 of the NIN protein (p.Thr662Met). This variant is not present in population databases (gnomAD no frequency). This variant has not been reported in the literature in individuals affected with NIN-related conditions. An algorithm developed to predict the effect of missense changes on protein structure and function outputs the following: PolyPhen-2: "Benign". The methionine amino acid residue is found in multiple mammalian species, which suggests that this missense change does not adversely affect protein function. In summary, the available evidence is currently insufficient to determine the role of this variant in disease. Therefore, it has been classified as a Variant of Uncertain Significance.

NM_020921.4(NIN):c.1985C>T (p.Thr662Met)

Genes: NIN (ninein; minus strand), LOC130055602 (ATAC-STARR-seq lymphoblastoid active region 8362; plus strand). Cytogenetic location: 14q22.1.
Variant type: single nucleotide variant.
Coding change: c.1985C>T on transcript NM_020921.4 (MANE Select); coding-DNA position 1985, C replaced by T.
Protein change: p.Thr662Met; replaces threonine 662 with methionine.
Molecular consequence: missense variant.
Genome position (GRCh38, 1-based): chr14:50,760,271, G>A on the plus strand (C>T on the coding strand, the complement: NIN is on the minus strand). VCF-style: chr14-50760271-G-A. GRCh37 (hg19) VCF-style: chr14-51226989-G-A.
Other names: c.1985C>T, p.Thr662Met (NM_016350.5, NM_182944.3, NM_182946.2); short protein forms T662M.
Identifiers: ClinVar variation 4701009 (VCV004701009.1).